The following is an entry in ClinVar:

ClinVar aggregate classification (germline): Uncertain significance. Review status: criteria provided, multiple submitters, no conflicts (2 of 4 stars). 2 submissions from 2 submitters: Uncertain significance (2). Last evaluated 2025-09-24.

Conditions:
Inborn genetic diseases. Identifiers: MedGen C0950123, MeSH D030342.

Submissions (2):

Labcorp Genetics (formerly Invitae), Labcorp
Classification: Uncertain significance. Last evaluated: 2025-09-24. Review status: criteria provided, single submitter. Criteria: Invitae Variant Classification Sherloc (09022015). Collection method: clinical testing. Allele origin: germline.
Comment: This sequence change replaces glycine, which is neutral and non-polar, with valine, which is neutral and non-polar, at codon 574 of the PIEZO1 protein (p.Gly574Val). This variant is not present in population databases (gnomAD no frequency). This variant has not been reported in the literature in individuals affected with PIEZO1-related conditions. ClinVar contains an entry for this variant (Variation ID: 3418245). Invitae Evidence Modeling of protein sequence and biophysical properties (such as structural, functional, and spatial information, amino acid conservation, physicochemical variation, residue mobility, and thermodynamic stability) indicates that this missense variant is not expected to disrupt PIEZO1 protein function with a negative predictive value of 80%. In summary, the available evidence is currently insufficient to determine the role of this variant in disease. Therefore, it has been classified as a Variant of Uncertain Significance.

Ambry Genetics
Classification: Uncertain significance for Inborn genetic diseases. Last evaluated: 2024-10-26. Review status: criteria provided, single submitter. Criteria: Ambry Variant Classification Scheme 2023. Collection method: clinical testing. Allele origin: germline.

NM_001142864.4(PIEZO1):c.1721G>T (p.Gly574Val)

Genes: HSALR1 (HSP90AB1 associated lncRNA 1; plus strand), PIEZO1 (piezo type mechanosensitive ion channel component 1 (Er blood group); minus strand). Cytogenetic location: 16q24.3.
Variant type: single nucleotide variant.
Coding change: c.1721G>T on transcript NM_001142864.4 (MANE Select); coding-DNA position 1721, G replaced by T.
Protein change: p.Gly574Val; replaces glycine 574 with valine.
Molecular consequence: missense variant.
Genome position (GRCh38, 1-based): chr16:88,735,002, C>A on the plus strand (G>T on the coding strand, the complement: PIEZO1 is on the minus strand). VCF-style: chr16-88735002-C-A. GRCh37 (hg19) VCF-style: chr16-88801410-C-A.
Other names: short protein forms G574V.
Identifiers: ClinVar variation 3418245 (VCV003418245.2).
Genomic context (GRCh38, chr16:88,735,002, plus strand): 5'-GCGAAGCTGACCACGATGAACATGCCAGCACACACATAGATCCAGTACTTGGCGTACACG[C>A]CCTTCACCAGCTCCCCCAGGCTCTGCAACAGCGTCTGCGTCCGCGTGGGCTCTGTGGGCC-3'
Protein context (NP_001136336.2, residues 564-584): LLQSLGELVK[Gly574Val]VYAKYWIYVC